The following is an entry in ClinVar:

ClinVar aggregate classification (germline): Likely benign (1 of 4 stars; one submission).

gnomAD v4.1: 5 of 1,614,052 alleles (0.00031%); highest among the groups gnomAD compares: Non-Finnish European, 0.00042%; no homozygotes.

Submission:

CeGaT Center for Human Genetics Tuebingen
Classification: Likely benign. Last evaluated: 2025-10-01. Review status: criteria provided, single submitter. Criteria: CeGaT Center For Human Genetics Tuebingen Variant Classification Criteria Version 2. Collection method: clinical testing. Allele origin: germline. Affected: yes. Observed: 2 variant alleles.
Comment: PTH1R: BP4

NM_000316.3(PTH1R):c.1353+4C>G

Gene: PTH1R (parathyroid hormone 1 receptor; plus strand). Cytogenetic location: 3p21.31.
Variant type: single nucleotide variant.
Coding change: c.1353+4C>G on transcript NM_000316.3 (MANE Select); 4 bases into the intron after coding-DNA position 1353, C replaced by G.
Molecular consequence: intron variant.
Genome position (GRCh38, 1-based): chr3:46,902,671, C>G. VCF-style: chr3-46902671-C-G. GRCh37 (hg19) VCF-style: chr3-46944161-C-G.
Other names: c.1353+4C>G (NM_001184744.1).
Identifiers: ClinVar variation 3898489 (VCV003898489.7).